The following is an entry in ClinVar:

NM_000421.5(KRT10):c.1537T>C (p.Tyr513His)

Gene: KRT10 (keratin 10; minus strand). Cytogenetic location: 17q21.2.
Variant type: single nucleotide variant.
Coding change: c.1537T>C on transcript NM_000421.5 (MANE Select); coding-DNA position 1537, T replaced by C.
Protein change: p.Tyr513His; replaces tyrosine 513 with histidine.
Molecular consequence: missense variant.
Genome position (GRCh38, 1-based): chr17:40,818,998, A>G on the plus strand (T>C on the coding strand, the complement: KRT10 is on the minus strand). VCF-style: chr17-40818998-A-G. GRCh37 (hg19) VCF-style: chr17-38975250-A-G.
Other names: c.1537T>C, p.Tyr513His (NM_001379366.1); short protein forms Y513H.
Identifiers: ClinVar variation 2356746 (VCV002356746.4), dbSNP rs865866504, ClinGen allele CA8547980.

ClinVar aggregate classification (germline): Uncertain significance. Review status: criteria provided, single submitter (1 of 4 stars). 2 submissions from 2 submitters: Uncertain significance (1). 1 of the submissions does not count toward it. Last evaluated 2021-07-06.

Conditions:
KRT10-related disorder. Also called: KRT10-related condition.
Inborn genetic diseases. Identifiers: MedGen C0950123, MeSH D030342.

Allele frequency attached by ClinVar (database versions not stated): gnomAD 0.00042; gnomAD exomes 0.00064.
gnomAD v4.1: 816 of 1,310,812 alleles (0.062%); highest among the groups gnomAD compares: Admixed American, 0.53%; no homozygotes.

Submissions (2):

Ambry Genetics
Classification: Uncertain significance for Inborn genetic diseases. Last evaluated: 2021-07-06. Review status: criteria provided, single submitter. Criteria: Ambry Variant Classification Scheme 2023. Collection method: clinical testing. Allele origin: germline.

PreventionGenetics, part of Exact Sciences
Classification: Likely benign for KRT10-related condition. Last evaluated: 2022-12-29. Review status: no assertion criteria provided. Collection method: clinical testing. Allele origin: germline. Not counted in ClinVar's aggregate classification.
Comment: This variant is classified as likely benign based on ACMG/AMP sequence variant interpretation guidelines (Richards et al. 2015 PMID: 25741868, with internal and published modifications).